The following is an entry in ClinVar:

NM_020821.3(VPS13C):c.9165G>A (p.Leu3055=)

Gene: VPS13C (vacuolar protein sorting 13 homolog C; minus strand). Cytogenetic location: 15q22.2.
Variant type: single nucleotide variant.
Coding change: c.9165G>A on transcript NM_020821.3 (MANE Select); coding-DNA position 9165, G replaced by A.
Protein change: p.Leu3055=; no amino-acid change (leucine 3055 retained).
Molecular consequence: synonymous variant.
Genome position (GRCh38, 1-based): chr15:61,890,341, C>T on the plus strand (G>A on the coding strand, the complement: VPS13C is on the minus strand). VCF-style: chr15-61890341-C-T. GRCh37 (hg19) VCF-style: chr15-62182540-C-T.
Other names: p.Leu3055=; c.9165G>A, p.Leu3055= (NM_001018088.3); c.9036G>A, p.Leu3012= (NM_017684.5, NM_018080.4).
Identifiers: ClinVar variation 787428 (VCV000787428.14), dbSNP rs74749187, ClinGen allele CA7594721.
Genomic context (GRCh38, chr15:61,890,341, plus strand): 5'-CAGTGCTTTGGAAACCAAGGCAACATCATCGGTGAAAAGCAAAACTCTCTGGCGCCCATC[C>T]AGAAATGATACCCAGTGTATCTGGATGTTTGCATCATATGGAAACTGTCCACATCCATCC-3'
Protein context (NP_065872.1, residues 3045-3065): ANIQIHWVSF[Leu3055=]DGRQRVLLFT

ClinVar aggregate classification (germline): Benign. Review status: criteria provided, multiple submitters, no conflicts (2 of 4 stars). 4 submissions from 4 submitters: Benign (3). 1 of the submissions does not count toward it. Last evaluated 2026-01-27.

Conditions:
VPS13C-related disorder. Also called: VPS13C-related condition.

Allele frequency attached by ClinVar (database versions not stated): gnomAD exomes 0.00097 and 0.00261; ExAC 0.00321; 1000 Genomes Project 30x 0.01015; 1000 Genomes Project 0.01038; gnomAD 0.01085 and 0.01156; ESP Exome Variant Server 0.01223; TOPMed 0.01226.
gnomAD v4.1: 3,117 of 1,614,010 alleles (0.19%); highest among the groups gnomAD compares: African/African-American, 3.8%; 66 homozygotes.

Submissions (4):

Labcorp Genetics (formerly Invitae), Labcorp
Classification: Benign. Last evaluated: 2026-01-27. Review status: criteria provided, single submitter. Criteria: Invitae Variant Classification Sherloc (09022015). Collection method: clinical testing. Allele origin: germline.

Mayo Clinic Laboratories, Mayo Clinic
Classification: Benign. Last evaluated: 2025-03-03. Review status: criteria provided, single submitter. Criteria: ACMG Guidelines, 2015. Collection method: clinical testing. Allele origin: germline. Observed: 2 variant alleles.
Comment: BA1, BS2, BP4, BP7

Breakthrough Genomics
Classification: Benign. Review status: criteria provided, single submitter. Criteria: ACMG Guidelines, 2015. Collection method: not provided. Allele origin: germline. Inheritance: Autosomal recessive inheritance. Affected: yes.

PreventionGenetics, part of Exact Sciences
Classification: Benign for VPS13C-related condition. Last evaluated: 2020-01-31. Review status: no assertion criteria provided. Collection method: clinical testing. Allele origin: germline. Not counted in ClinVar's aggregate classification.
Comment: This variant is classified as benign based on ACMG/AMP sequence variant interpretation guidelines (Richards et al. 2015 PMID: 25741868, with internal and published modifications).